The following is an entry in ClinVar:

NM_000051.4(ATM):c.515T>G (p.Phe172Cys)

Gene: ATM (ATM serine/threonine kinase; plus strand). Cytogenetic location: 11q22.3.
Variant type: single nucleotide variant.
Coding change: c.515T>G on transcript NM_000051.4 (MANE Select); coding-DNA position 515, T replaced by G.
Protein change: p.Phe172Cys; replaces phenylalanine 172 with cysteine.
Molecular consequence: missense variant.
Genome position (GRCh38, 1-based): chr11:108,243,971, T>G. VCF-style: chr11-108243971-T-G. GRCh37 (hg19) VCF-style: chr11-108114698-T-G.
Other names: c.515T>G, p.Phe172Cys (NM_001351834.2); short protein forms F172C.
Identifiers: ClinVar variation 3666366 (VCV003666366.2).

ClinVar aggregate classification (germline): Uncertain significance (1 of 4 stars; one submission).

Conditions:
Ataxia-telangiectasia syndrome (AT). Also called: LOUIS-BAR SYNDROME; ATAXIA-TELANGIECTASIA, COMPLEMENTATION GROUP A; ATAXIA-TELANGIECTASIA, FRESNO VARIANT; Ataxia-telangiectasia, complementation group D; AT, COMPLEMENTATION GROUP C; Ataxia-telangiectasia. Identifiers: Orphanet 100, MedGen C0004135, MONDO:0008840, OMIM 208900.

Submission:

Labcorp Genetics (formerly Invitae), Labcorp
Classification: Uncertain significance for Ataxia-telangiectasia syndrome. Last evaluated: 2024-11-30. Review status: criteria provided, single submitter. Criteria: Invitae Variant Classification Sherloc (09022015). Collection method: clinical testing. Allele origin: germline.
Comment: This sequence change replaces phenylalanine, which is neutral and non-polar, with cysteine, which is neutral and slightly polar, at codon 172 of the ATM protein (p.Phe172Cys). This variant is not present in population databases (gnomAD no frequency). This variant has not been reported in the literature in individuals affected with ATM-related conditions. Invitae Evidence Modeling of protein sequence and biophysical properties (such as structural, functional, and spatial information, amino acid conservation, physicochemical variation, residue mobility, and thermodynamic stability) indicates that this missense variant is not expected to disrupt ATM protein function with a negative predictive value of 95%. Algorithms developed to predict the effect of sequence changes on RNA splicing suggest that this variant may create or strengthen a splice site. In summary, the available evidence is currently insufficient to determine the role of this variant in disease. Therefore, it has been classified as a Variant of Uncertain Significance.